The following is an entry in ClinVar:

ClinVar aggregate classification (germline): Likely pathogenic (1 of 4 stars; one submission).

Conditions:
Mitochondrial neurogastrointestinal encephalomyopathy. Also called: Mitochondrial neurogastrointestinal encephalopathy syndrome; MNGIE syndrome; Thymidine phosphorylase deficiency. Identifiers: Orphanet 298, MedGen C0872218, MONDO:0017575.

Submission:

Natera, Inc.
Classification: Likely pathogenic for Mitochondrial neurogastrointestinal encephalomyopathy. Last evaluated: 2025-11-03. Review status: criteria provided, single submitter. Criteria: Natera Variant Classification Schema (03/2026). Collection method: clinical testing. Allele origin: germline.
Comment: The c.277del variant in TYMP is a frameshift variant predicted to shift the reading frame beginning at codon 93 and leads to a stop codon 50 codons downstream. This variant is expected to result in nonsense mediated decay, truncation, or a dysfunctional protein product. This variant is rare in the general population with a frequency below the threshold expected for the associated phenotype(s). Given the available evidence, this variant is classified as Likely Pathogenic.

NM_001953.5(TYMP):c.277del (p.Gln93fs)

Genes: TYMP (thymidine phosphorylase; minus strand), LOC130067864 (ATAC-STARR-seq lymphoblastoid active region 19325; plus strand). Cytogenetic location: 22q13.33.
Variant type: Deletion.
Coding change: c.277del on transcript NM_001953.5 (MANE Select); coding-DNA position 277, one base deleted (C; older notation c.277delC).
Protein change: p.Gln93fs; shifts the reading frame from glutamine 93.
Molecular consequence: frameshift variant.
Genome position (GRCh38, 1-based): chr22:50,529,276, G deleted on the plus strand (C on the coding strand, the reverse complement: TYMP is on the minus strand); the first of 3 consecutive G bases (chr22:50,529,276-50,529,278); deleting any one gives the same sequence. VCF-style (leftmost placement, unchanged base first): chr22-50529275-TG-T. GRCh37 (hg19) VCF-style: chr22-50967704-TG-T.
Other names: c.277del, p.Gln93fs (NM_001113755.3, NM_001113756.3, NM_001257988.1 and 1 more transcripts); short protein forms Q93fs.
Identifiers: ClinVar variation 4814988 (VCV004814988.1).